The following is an entry in ClinVar:

ClinVar aggregate classification (germline): Conflicting classifications of pathogenicity. Review status: criteria provided, conflicting classifications (1 of 4 stars). 2 submissions from 2 submitters: Uncertain significance (1); Likely benign (1). Last evaluated 2023-09-11.

Conditions:
Hereditary cancer-predisposing syndrome. Also called: Neoplastic Syndromes, Hereditary; Tumor predisposition; Hereditary Cancer Syndrome; Hereditary neoplastic syndrome. Identifiers: Orphanet 140162, MedGen C0027672, MeSH D009386, MONDO:0015356.
Fanconi anemia complementation group J. Also called: BRIP1-Related Fanconi Anemia. Identifiers: Orphanet 84, MedGen C1836860, MONDO:0012187, OMIM 609054.
Familial cancer of breast. Also called: BREAST CANCER, FAMILIAL; Hereditary breast cancer; hereditary breast carcinoma. Identifiers: Orphanet 227535, MedGen C0346153, MONDO:0016419, OMIM 114480. Disease mechanism: loss of function.

gnomAD v4.1: 1 of 1,613,608 alleles (0.000062%); no homozygotes.

Submissions (2):

Labcorp Genetics (formerly Invitae), Labcorp
Classification: Uncertain significance for Familial cancer of breast; Fanconi anemia complementation group J. Last evaluated: 2023-09-11. Review status: criteria provided, single submitter. Criteria: Invitae Variant Classification Sherloc (09022015). Collection method: clinical testing. Allele origin: germline.
Comment: This variant is not present in population databases (gnomAD no frequency). This sequence change replaces isoleucine, which is neutral and non-polar, with methionine, which is neutral and non-polar, at codon 1176 of the BRIP1 protein (p.Ile1176Met). This variant has not been reported in the literature in individuals affected with BRIP1-related conditions. In summary, the available evidence is currently insufficient to determine the role of this variant in disease. Therefore, it has been classified as a Variant of Uncertain Significance. Algorithms developed to predict the effect of missense changes on protein structure and function output the following: SIFT: "Not Available"; PolyPhen-2: "Benign"; Align-GVGD: "Not Available". The methionine amino acid residue is found in multiple mammalian species, which suggests that this missense change does not adversely affect protein function. ClinVar contains an entry for this variant (Variation ID: 1732319).

Ambry Genetics
Classification: Likely benign for Hereditary cancer-predisposing syndrome. Last evaluated: 2022-09-10. Review status: criteria provided, single submitter. Criteria: Ambry Variant Classification Scheme 2023. Collection method: clinical testing. Allele origin: germline.

NM_032043.3(BRIP1):c.3528A>G (p.Ile1176Met)

Gene: BRIP1 (BRCA1 interacting DNA helicase 1; minus strand). Cytogenetic location: 17q23.2.
Variant type: single nucleotide variant.
Coding change: c.3528A>G on transcript NM_032043.3 (MANE Select); coding-DNA position 3528, A replaced by G.
Protein change: p.Ile1176Met; replaces isoleucine 1176 with methionine.
Molecular consequence: missense variant.
Genome position (GRCh38, 1-based): chr17:61,683,518, T>C on the plus strand (A>G on the coding strand, the complement: BRIP1 is on the minus strand). VCF-style: chr17-61683518-T-C. GRCh37 (hg19) VCF-style: chr17-59760879-T-C.
Other names: short protein forms I1176M.
Identifiers: ClinVar variation 1732319 (VCV001732319.5), dbSNP rs2544554358, ClinGen allele CA400478405.